The following is an entry in ClinVar:

NM_001033855.3(DCLRE1C):c.587G>A (p.Arg196Gln)

Gene: DCLRE1C (DNA cross-link repair 1C; minus strand). Cytogenetic location: 10p13.
Variant type: single nucleotide variant.
Coding change: c.587G>A on transcript NM_001033855.3 (MANE Select); coding-DNA position 587, G replaced by A.
Protein change: p.Arg196Gln; replaces arginine 196 with glutamine.
Molecular consequence: missense variant. On other transcripts: non-coding transcript variant (4).
Genome position (GRCh38, 1-based): chr10:14,934,471, C>T on the plus strand (G>A on the coding strand, the complement: DCLRE1C is on the minus strand). VCF-style: chr10-14934471-C-T. GRCh37 (hg19) VCF-style: chr10-14976470-C-T.
Other names: NM_001033855.3(DCLRE1C):c.587G>A; p.Arg196Gln; c.227G>A, p.Arg76Gln (NM_001033857.3, NM_001033858.3, NM_001289077.2 and 2 more transcripts); c.242G>A, p.Arg81Gln (NM_001289076.2, NM_001289078.2, NM_001350966.2 and 1 more transcripts); c.587G>A, p.Arg196Gln (NM_001350965.2); c.587G>A (NM_001033855.1); short protein forms R196Q, R76Q, R81Q.
Identifiers: ClinVar variation 646928 (VCV000646928.7), dbSNP rs760897653, ClinGen allele CA5416773.

ClinVar aggregate classification (germline): Uncertain significance. Review status: reviewed by expert panel (3 of 4 stars). 5 submissions from 5 submitters: Uncertain significance (1). 4 of the submissions do not count toward it. Last evaluated 2024-06-13.

Conditions:
Inborn genetic diseases. Identifiers: MedGen C0950123, MeSH D030342.
Athabaskan severe combined immunodeficiency (SCIDA). Also called: Severe combined immunodeficiency, athabascan-type. Identifiers: MedGen C1865370.
Severe combined immunodeficiency due to DCLRE1C deficiency (RS-SCID). Also called: SCID, AUTOSOMAL RECESSIVE, T CELL-NEGATIVE, B CELL-NEGATIVE, NK CELL-POSITIVE, WITH SENSITIVITY TO IONIZING RADIATION. Identifiers: Orphanet 275, MedGen C1865371, MONDO:0011225, OMIM 602450.

Allele frequency attached by ClinVar (database versions not stated): gnomAD exomes 0.00005 and 0.00003; ExAC 0.00004; TOPMed 0.00009; gnomAD 0.00004.

Submissions (5):

ClinGen Severe Combined Immunodeficiency Variant Curation Expert Panel, ClinGen
Classification: Uncertain significance for Severe combined immunodeficiency due to DCLRE1C deficiency. Last evaluated: 2024-06-13. Review status: reviewed by expert panel. Criteria: ClinGen SCID ACMG Specifications DCLRE1C V1.0.0. Collection method: curation. Allele origin: germline. Inheritance: Autosomal recessive inheritance.
Comment: The c.587G>A (NM_001033855.3) variant in DCLRE1C is a missense variant predicted to cause the substitution of Arginine by Glutamine at amino acid 196 (p.Arg196Gln). The filtering allele frequency (the upper threshold of the 95% CI of 34/1180044 alleles) of the c.587G>A variant in DCLRE1C is 0.00002074 for European (non-Finnish) chromosomes by gnomAD v4, which is lower than the ClinGen SCID VCEP threshold (<0.00003266) for PM2_Supporting, and therefore meets this criterion (PM2_Supporting). No homozygotes have been observed in gnomAD. To our knowledge, this variant has not been reported in the literature in individuals affected with SCID/DCLRE1C-related conditions or in functional studies. In summary, this variant meets the criteria to be classified as a variant of uncertain significance for autosomal recessive severe combined immunodeficiency due to DCLRE1C deficiency based on the ACMG/AMP criteria applied, as specified by the ClinGen SCID VCEP: PM2_Supporting (VCEP specifications version 1).

Blueprint Genetics
Classification: Uncertain significance. Last evaluated: 2023-12-20. Review status: criteria provided, single submitter. Criteria: ACMG Guidelines, 2015. Collection method: clinical testing. Allele origin: germline. Not counted in ClinVar's aggregate classification.

Labcorp Genetics (formerly Invitae), Labcorp
Classification: Uncertain significance for Athabaskan severe combined immunodeficiency. Last evaluated: 2022-07-12. Review status: criteria provided, single submitter. Criteria: Invitae Variant Classification Sherloc (09022015). Collection method: clinical testing. Allele origin: germline. Not counted in ClinVar's aggregate classification.
Comment: This sequence change replaces arginine, which is basic and polar, with glutamine, which is neutral and polar, at codon 196 of the DCLRE1C protein (p.Arg196Gln). This variant is present in population databases (rs760897653, gnomAD 0.01%). This variant has not been reported in the literature in individuals affected with DCLRE1C-related conditions. ClinVar contains an entry for this variant (Variation ID: 646928). Algorithms developed to predict the effect of missense changes on protein structure and function (SIFT, PolyPhen-2, Align-GVGD) all suggest that this variant is likely to be tolerated. In summary, the available evidence is currently insufficient to determine the role of this variant in disease. Therefore, it has been classified as a Variant of Uncertain Significance.

Ambry Genetics
Classification: Uncertain significance for Inborn genetic diseases. Last evaluated: 2021-07-06. Review status: criteria provided, single submitter. Criteria: Ambry Variant Classification Scheme 2023. Collection method: clinical testing. Allele origin: germline. Not counted in ClinVar's aggregate classification.

Natera, Inc.
Classification: Uncertain significance for Athabascan severe combined immunodeficiency. Last evaluated: 2021-04-19. Review status: no assertion criteria provided. Collection method: clinical testing. Allele origin: germline. Not counted in ClinVar's aggregate classification.